The following is an entry in ClinVar:

NM_001360016.2(G6PD):c.916G>A (p.Gly306Ser)

Gene: G6PD (glucose-6-phosphate dehydrogenase; minus strand). Cytogenetic location: Xq28.
Variant type: single nucleotide variant.
Coding change: c.916G>A on transcript NM_001360016.2 (MANE Select); coding-DNA position 916, G replaced by A.
Protein change: p.Gly306Ser; replaces glycine 306 with serine.
Molecular consequence: missense variant.
Genome position (GRCh38, 1-based): chrX:154,533,077, C>T on the plus strand (G>A on the coding strand, the complement: G6PD is on the minus strand). VCF-style: chrX-154533077-C-T. GRCh37 (hg19) VCF-style: chrX-153761292-C-T.
Other names: G6PD Seoul; c.1006G>A, p.Gly336Ser (NM_000402.4); c.916G>A, p.Gly306Ser (NM_001042351.3); short protein forms G306S, G336S.
Identifiers: ClinVar variation 1722647 (VCV001722647.2), dbSNP rs2523264036, ClinGen allele CA415234771.

ClinVar aggregate classification (germline): Pathogenic (1 of 4 stars; one submission).

Conditions:
Anemia, nonspherocytic hemolytic, due to G6PD deficiency (CNSHA1). Also called: Hemolytic anemia due to G6PD deficiency; Class I glucose-6-phosphate dehydrogenase deficiency; Favism, susceptibility to; ANEMIA, CONGENITAL, NONSPHEROCYTIC HEMOLYTIC, 1. Identifiers: Orphanet 466026, MedGen C2720289, MONDO:0010480, OMIM 300908.

Submission:

Dunham Lab, University of Washington
Classification: Pathogenic for Anemia, nonspherocytic hemolytic, due to G6PD deficiency. Last evaluated: 2022-08-12. Review status: criteria provided, single submitter. Criteria: Bayesian ACMG Guidelines, 2018. Collection method: curation. Allele origin: unknown. Affected: yes.
Comment: Variant found in unrelated hemizygotes with G6PD deficiency, anemia, and jaundice (PS4_M, PP4). Decreased activity in red blood cells (0-12%) (PS3). Predicted to be damaging or deleterious by multiple computational algorithms (PP3). Not found in gnomAD (PM2). Post_P 0.994 (odds of pathogenicity 1517, Prior_P 0.1).

Literature cited by the submitters: PubMed 28028996; PubMed 24022758; PubMed 8807085.